The following is an entry in ClinVar:

ClinVar aggregate classification (germline): Uncertain significance. Review status: criteria provided, multiple submitters, no conflicts (2 of 4 stars). 2 submissions from 2 submitters: Uncertain significance (2). Last evaluated 2022-05-20.

Conditions:
Intellectual developmental disorder, X-linked 1. Also called: Intellectual disability, X-linked 1; Atkin Flaitz Patil Smith syndrome; MENTAL RETARDATION, X-LINKED 18; MENTAL RETARDATION, X-LINKED 78. Identifiers: Orphanet 777, MedGen C2931498, MONDO:0010656, OMIM 309530.

Allele frequency attached by ClinVar (database versions not stated): gnomAD 0.00001; TOPMed 0.00001.
gnomAD v4.1: 1 of 1,208,879 alleles (0.000083%); highest among the groups gnomAD compares: Non-Finnish European, 0.00011%; no homozygotes.

Submissions (2):

Labcorp Genetics (formerly Invitae), Labcorp
Classification: Uncertain significance for Intellectual developmental disorder, X-linked 1. Last evaluated: 2022-05-20. Review status: criteria provided, single submitter. Criteria: Invitae Variant Classification Sherloc (09022015). Collection method: clinical testing. Allele origin: germline.
Comment: In summary, the available evidence is currently insufficient to determine the role of this variant in disease. Therefore, it has been classified as a Variant of Uncertain Significance. Advanced modeling of protein sequence and biophysical properties (such as structural, functional, and spatial information, amino acid conservation, physicochemical variation, residue mobility, and thermodynamic stability) performed at Invitae indicates that this missense variant is not expected to disrupt IQSEC2 protein function. ClinVar contains an entry for this variant (Variation ID: 424606). This variant has not been reported in the literature in individuals affected with IQSEC2-related conditions. This variant is not present in population databases (gnomAD no frequency). This sequence change replaces proline, which is neutral and non-polar, with threonine, which is neutral and polar, at codon 552 of the IQSEC2 protein (p.Pro552Thr).

GeneDx
Classification: Uncertain significance. Last evaluated: 2017-11-02. Review status: criteria provided, single submitter. Criteria: GeneDx Variant Classification (06012015). Collection method: clinical testing. Allele origin: germline. Affected: yes.
Comment: A variant of uncertain significance has been identified in the IQSEC2 gene. The P552T variant has not been published as a pathogenic variant, nor has it been reported as a benign variant to our knowledge. The P552T variant is not observed in large population cohorts (Lek et al., 2016; 1000 Genomes Consortium et al., 2015; Exome Variant Server). The P552T variant is a non-conservative amino acid substitution, which is likely to impact secondary protein structure as these residues differ in polarity, charge, size and/or other properties. This substitution occurs at a position that is conserved in mammals. However, in silico analysis is inconsistent in its predictions as to whether or not the variant is damaging to the protein structure/function. Therefore, based on the currently available information, it is unclear whether this variant is a pathogenic variant or a rare benign variant.

NM_001111125.3(IQSEC2):c.1654C>A (p.Pro552Thr)

Gene: IQSEC2 (IQ motif and Sec7 domain ArfGEF 2; minus strand). Cytogenetic location: Xp11.22.
Variant type: single nucleotide variant.
Coding change: c.1654C>A on transcript NM_001111125.3 (MANE Select); coding-DNA position 1654, C replaced by A.
Protein change: p.Pro552Thr; replaces proline 552 with threonine.
Molecular consequence: missense variant.
Genome position (GRCh38, 1-based): chrX:53,250,922, G>T on the plus strand (C>A on the coding strand, the complement: IQSEC2 is on the minus strand). VCF-style: chrX-53250922-G-T. GRCh37 (hg19) VCF-style: chrX-53280104-G-T.
Other names: c.1039C>A, p.Pro347Thr (NM_015075.2); short protein forms P552T, P347T.
Identifiers: ClinVar variation 424606 (VCV000424606.7), dbSNP rs1064797066, ClinGen allele CA16621446.